The following is an entry in ClinVar:

ClinVar aggregate classification (germline): Likely benign. Review status: criteria provided, multiple submitters, no conflicts (2 of 4 stars). 3 submissions from 3 submitters: Likely benign (2). 1 of the submissions does not count toward it. Last evaluated 2025-11-09.

Conditions:
Hereditary cancer-predisposing syndrome. Also called: Hereditary Cancer Syndrome; Hereditary neoplastic syndrome; Neoplastic Syndromes, Hereditary; Tumor predisposition. Identifiers: Orphanet 140162, MedGen C0027672, MeSH D009386, MONDO:0015356.
MSH3-related disorder. Also called: MSH3-related condition.

Allele frequency attached by ClinVar (database versions not stated): gnomAD 0.00001; ExAC 0.00002; TOPMed 0.00002.
gnomAD v4.1: 33 of 1,613,934 alleles (0.002%); highest among the groups gnomAD compares: Non-Finnish European, 0.0027%; no homozygotes.

Submissions (3):

Labcorp Genetics (formerly Invitae), Labcorp
Classification: Likely benign. Last evaluated: 2025-11-09. Review status: criteria provided, single submitter. Criteria: Invitae Variant Classification Sherloc (09022015). Collection method: clinical testing. Allele origin: germline.

Ambry Genetics
Classification: Likely benign for Hereditary cancer-predisposing syndrome. Last evaluated: 2019-12-13. Review status: criteria provided, single submitter. Criteria: Ambry Variant Classification Scheme 2023. Collection method: clinical testing. Allele origin: germline.

PreventionGenetics, part of Exact Sciences
Classification: Likely benign for MSH3-related condition. Last evaluated: 2023-01-18. Review status: no assertion criteria provided. Collection method: clinical testing. Allele origin: germline. Not counted in ClinVar's aggregate classification.
Comment: This variant is classified as likely benign based on ACMG/AMP sequence variant interpretation guidelines (Richards et al. 2015 PMID: 25741868, with internal and published modifications).

NM_002439.5(MSH3):c.1299C>T (p.Ser433=)

Gene: MSH3 (mutS homolog 3; plus strand). Cytogenetic location: 5q14.1.
Variant type: single nucleotide variant.
Coding change: c.1299C>T on transcript NM_002439.5 (MANE Select); coding-DNA position 1299, C replaced by T.
Protein change: p.Ser433=; no amino-acid change (serine 433 retained).
Molecular consequence: synonymous variant.
Genome position (GRCh38, 1-based): chr5:80,679,052, C>T. VCF-style: chr5-80679052-C-T. GRCh37 (hg19) VCF-style: chr5-79974871-C-T.
Identifiers: ClinVar variation 754900 (VCV000754900.17), dbSNP rs759299041, ClinGen allele CA3327853.
Genomic context (GRCh38, chr5:80,679,052, plus strand): 5'-GCTAGAAACCCGGATGTCAAGCCTGCAGCCAGTAGAGCTGCTGCTTCCTTCGGCCTTGTC[C>T]GAGCAAACAGAGGCGCTCATCCACAGAGCCACATCTGTTAGGTAAGTTGGCACATCACTG-3'
Protein context (NP_002430.3, residues 423-443): PVELLLPSAL[Ser433=]EQTEALIHRA